The following is an entry in ClinVar:

ClinVar aggregate classification (germline): Uncertain significance. Review status: criteria provided, multiple submitters, no conflicts (2 of 4 stars). 4 submissions from 4 submitters: Uncertain significance (4). Last evaluated 2025-11-19.

Conditions:
Familial thoracic aortic aneurysm and aortic dissection (TAAD). Also called: Thoracic aortic aneurysms and dissections. Identifiers: Orphanet 91387, MedGen C4707243, MONDO:0019625.
Aortic aneurysm, familial thoracic 4 (AAT4). Also called: AORTIC ANEURYSM/AORTIC DISSECTION AND PATENT DUCTUS ARTERIOSUS. Identifiers: MedGen C1851504, MONDO:0007568, OMIM 132900.

gnomAD v4.1: 4 of 1,614,160 alleles (0.00025%); highest among the groups gnomAD compares: Admixed American, 0.0017%; no homozygotes.

Submissions (4):

Labcorp Genetics (formerly Invitae), Labcorp
Classification: Uncertain significance for Aortic aneurysm, familial thoracic 4. Last evaluated: 2025-11-19. Review status: criteria provided, single submitter. Criteria: Invitae Variant Classification Sherloc (09022015). Collection method: clinical testing. Allele origin: germline.
Comment: This sequence change replaces asparagine, which is neutral and polar, with serine, which is neutral and polar, at codon 97 of the MYH11 protein (p.Asn97Ser). This variant is present in population databases (no rsID available, gnomAD 0.003%). This variant has not been reported in the literature in individuals affected with MYH11-related conditions. ClinVar contains an entry for this variant (Variation ID: 3387263). Invitae Evidence Modeling of protein sequence and biophysical properties (such as structural, functional, and spatial information, amino acid conservation, physicochemical variation, residue mobility, and thermodynamic stability) indicates that this missense variant is not expected to disrupt MYH11 protein function with a negative predictive value of 95%. In summary, the available evidence is currently insufficient to determine the role of this variant in disease. Therefore, it has been classified as a Variant of Uncertain Significance.

Ambry Genetics
Classification: Uncertain significance for Familial thoracic aortic aneurysm and aortic dissection. Last evaluated: 2025-07-15. Review status: criteria provided, single submitter. Criteria: Ambry Variant Classification Scheme 2023. Collection method: clinical testing. Allele origin: germline.

All of Us Research Program, National Institutes of Health
Classification: Uncertain significance for Familial thoracic aortic aneurysm and aortic dissection. Last evaluated: 2024-08-06. Review status: criteria provided, single submitter. Criteria: ACMG Guidelines, 2015. Collection method: clinical testing. Allele origin: germline. Inheritance: Autosomal dominant inheritance. Observed: 1 variant allele, 1 heterozygote.
Comment: This study involves interpretation of variants in research participants for the purpose of population health screening. Participant phenotype was not available at the time of variant classification. Additional details can be found in publication PMID: 35346344, PMCID: PMC8962531

Color Diagnostics, LLC DBA Color Health
Classification: Uncertain significance for Familial thoracic aortic aneurysm and aortic dissection. Last evaluated: 2024-05-31. Review status: criteria provided, single submitter. Criteria: ACMG Guidelines, 2015. Collection method: clinical testing. Allele origin: germline.
Comment: This missense variant replaces asparagine with serine at codon 97 of the MYH11 protein. Computational prediction is inconclusive regarding the impact of this variant on protein structure and function (internally defined REVEL score threshold 0.5 < inconclusive < 0.7, PMID: 27666373). To our knowledge, functional studies have not been reported for this variant. This variant has not been reported in individuals affected with MYH11-related disorders in the literature. This variant has been identified in 1/251474 chromosomes in the general population by the Genome Aggregation Database (gnomAD). The available evidence is insufficient to determine the role of this variant in disease conclusively. Therefore, this variant is classified as a Variant of Uncertain Significance.

NM_002474.3(MYH11):c.290A>G (p.Asn97Ser)

Gene: MYH11 (myosin heavy chain 11; minus strand). Cytogenetic location: 16p13.11.
Variant type: single nucleotide variant.
Coding change: c.290A>G on transcript NM_002474.3 (MANE Select); coding-DNA position 290, A replaced by G.
Protein change: p.Asn97Ser; replaces asparagine 97 with serine.
Molecular consequence: missense variant.
Genome position (GRCh38, 1-based): chr16:15,837,963, T>C on the plus strand (A>G on the coding strand, the complement: MYH11 is on the minus strand). VCF-style: chr16-15837963-T-C. GRCh37 (hg19) VCF-style: chr16-15931820-T-C.
Other names: c.290A>G, p.Asn97Ser (NM_001040113.2, NM_001040114.2, NM_022844.3); c.290A>G (NM_002474.2); short protein forms N97S.
Identifiers: ClinVar variation 3387263 (VCV003387263.5).